The following is an entry in ClinVar:

ClinVar aggregate classification (germline): Conflicting classifications of pathogenicity. Review status: criteria provided, conflicting classifications (1 of 4 stars). 2 submissions from 2 submitters: Uncertain significance (1); Likely benign (1). Last evaluated 2025-05-09.

Conditions:
Hereditary nonpolyposis colorectal neoplasms. Identifiers: MedGen C0009405, MeSH D003123.
Hereditary cancer-predisposing syndrome. Also called: Hereditary Cancer Syndrome; Hereditary neoplastic syndrome; Neoplastic Syndromes, Hereditary; Tumor predisposition. Identifiers: Orphanet 140162, MedGen C0027672, MeSH D009386, MONDO:0015356.

Submissions (2):

Ambry Genetics
Classification: Likely benign for Hereditary cancer-predisposing syndrome. Last evaluated: 2025-05-09. Review status: criteria provided, single submitter. Criteria: Ambry Variant Classification Scheme 2023. Collection method: clinical testing. Allele origin: germline.

Labcorp Genetics (formerly Invitae), Labcorp
Classification: Uncertain significance for Hereditary nonpolyposis colorectal neoplasms. Last evaluated: 2023-02-21. Review status: criteria provided, single submitter. Criteria: Invitae Variant Classification Sherloc (09022015). Collection method: clinical testing. Allele origin: germline.
Comment: Advanced modeling of protein sequence and biophysical properties (such as structural, functional, and spatial information, amino acid conservation, physicochemical variation, residue mobility, and thermodynamic stability) performed at Invitae indicates that this missense variant is not expected to disrupt MSH6 protein function. In summary, the available evidence is currently insufficient to determine the role of this variant in disease. Therefore, it has been classified as a Variant of Uncertain Significance. ClinVar contains an entry for this variant (Variation ID: 1742318). This variant has not been reported in the literature in individuals affected with MSH6-related conditions. This variant is not present in population databases (gnomAD no frequency). This sequence change replaces serine, which is neutral and polar, with alanine, which is neutral and non-polar, at codon 156 of the MSH6 protein (p.Ser156Ala).

NM_000179.3(MSH6):c.466T>G (p.Ser156Ala)

Gene: MSH6 (mutS homolog 6; plus strand). Cytogenetic location: 2p16.3.
Variant type: single nucleotide variant.
Coding change: c.466T>G on transcript NM_000179.3 (MANE Select); coding-DNA position 466, T replaced by G.
Protein change: p.Ser156Ala; replaces serine 156 with alanine.
Molecular consequence: missense variant. On other transcripts: 5 prime UTR variant (1), intron variant (2).
Genome position (GRCh38, 1-based): chr2:47,795,902, T>G. VCF-style: chr2-47795902-T-G. GRCh37 (hg19) VCF-style: chr2-48023041-T-G.
Other names: c.-437T>G (NM_001281494.2); c.562T>G, p.Ser188Ala (NM_001406795.1, NM_001406802.1); c.466T>G, p.Ser156Ala (NM_001406796.1, NM_001406798.1, NM_001406800.1 and 5 more transcripts); c.169T>G, p.Ser57Ala (NM_001406797.1, NM_001406801.1, NM_001406805.1 and 10 more transcripts); c.-60T>G (NM_001406799.1, NM_001406806.1, NM_001406807.1); c.388T>G, p.Ser130Ala (NM_001406804.1); c.472T>G, p.Ser158Ala (NM_001406813.1); c.-529T>G (NM_001406814.1); and 3 more; short protein forms S130A, S57A, S158A, S156A, S100A, S188A.
Identifiers: ClinVar variation 1742318 (VCV001742318.6), dbSNP rs2104228232, ClinGen allele CA346738572.